The following is an entry in ClinVar:

ClinVar aggregate classification (germline): Likely pathogenic (1 of 4 stars; one submission).

Conditions:
SKIC3-related disorder. Also called: SKIC3-related condition.

Submission:

PreventionGenetics, part of Exact Sciences
Classification: Likely pathogenic for SKIC3-related condition. Last evaluated: 2023-08-13. Review status: criteria provided, single submitter. Criteria: ACMG Guidelines, 2015. Collection method: clinical testing. Allele origin: germline.
Comment: The SKIC3 c.2115-1G>C variant is predicted to disrupt the AG splice acceptor site and interfere with normal splicing. To our knowledge, this variant has not been reported in the literature or in a large population database, indicating this variant is rare. Variants that disrupt the consensus splice acceptor site in SKIC3 are expected to be pathogenic. This variant is interpreted as likely pathogenic.

NM_014639.4(SKIC3):c.2115-1G>C

Gene: SKIC3 (SKI3 subunit of superkiller complex; minus strand). Cytogenetic location: 5q15.
Variant type: single nucleotide variant.
Coding change: c.2115-1G>C on transcript NM_014639.4 (MANE Select); the canonical splice acceptor site of the intron before coding-DNA position 2115, G replaced by C.
Molecular consequence: splice acceptor variant.
Genome position (GRCh38, 1-based): chr5:95,517,323, C>G on the plus strand (G>C on the coding strand, the complement: SKIC3 is on the minus strand). VCF-style: chr5-95517323-C-G. GRCh37 (hg19) VCF-style: chr5-94853027-C-G.
Identifiers: ClinVar variation 2631759 (VCV002631759.1), dbSNP rs2112320552, ClinGen allele CA360461011.
Genomic context (GRCh38, chr5:95,517,323, plus strand): 5'-GTACAAGCATCCCCAGCTAGCTTCCAGAGGCAGGACACATCAGCTCGATGCTGTAGAGCA[C>G]TAAAAAAAGAAACATTGTGATTCTTACAAATTATTTATAAAAAGCATGAAGTTTATCTCC-3'